The following is an entry in ClinVar:

ClinVar aggregate classification (germline): Uncertain significance. Review status: criteria provided, multiple submitters, no conflicts (2 of 4 stars). 2 submissions from 2 submitters: Uncertain significance (2). Last evaluated 2026-01-27.

Allele frequency attached by ClinVar (database versions not stated): gnomAD exomes below 0.00001 and 0.00001.

Submissions (2):

GeneDx
Classification: Uncertain significance. Last evaluated: 2026-01-27. Review status: criteria provided, single submitter. Criteria: GeneDx Variant Classification Process June 2021. Collection method: clinical testing. Allele origin: germline.
Comment: In silico analysis supports that this missense variant has a deleterious effect on protein structure/function; Has not been previously published as pathogenic or benign to our knowledge

Labcorp Genetics (formerly Invitae), Labcorp
Classification: Uncertain significance. Last evaluated: 2022-10-13. Review status: criteria provided, single submitter. Criteria: Invitae Variant Classification Sherloc (09022015). Collection method: clinical testing. Allele origin: germline.
Comment: This sequence change replaces valine, which is neutral and non-polar, with methionine, which is neutral and non-polar, at codon 79 of the GUCA1B protein (p.Val79Met). This variant is present in population databases (no rsID available, gnomAD 0.01%). This variant has not been reported in the literature in individuals affected with GUCA1B-related conditions. ClinVar contains an entry for this variant (Variation ID: 1025865). Algorithms developed to predict the effect of missense changes on protein structure and function are either unavailable or do not agree on the potential impact of this missense change (SIFT: "Deleterious"; PolyPhen-2: "Possibly Damaging"; Align-GVGD: "Class C0"). In summary, the available evidence is currently insufficient to determine the role of this variant in disease. Therefore, it has been classified as a Variant of Uncertain Significance.

NM_002098.6(GUCA1B):c.235G>A (p.Val79Met)

Gene: GUCA1B (guanylate cyclase activator 1B; minus strand). Cytogenetic location: 6p21.1.
Variant type: single nucleotide variant.
Coding change: c.235G>A on transcript NM_002098.6 (MANE Select); coding-DNA position 235, G replaced by A.
Protein change: p.Val79Met; replaces valine 79 with methionine.
Molecular consequence: missense variant.
Genome position (GRCh38, 1-based): chr6:42,188,704, C>T on the plus strand (G>A on the coding strand, the complement: GUCA1B is on the minus strand). VCF-style: chr6-42188704-C-T. GRCh37 (hg19) VCF-style: chr6-42156442-C-T.
Other names: c.235G>A (NM_002098.5); short protein forms V79M.
Identifiers: ClinVar variation 1025865 (VCV001025865.9), dbSNP rs1448235986, ClinGen allele CA364113136.